The following is an entry in ClinVar:

NM_032590.5(KDM2B):c.3607C>T (p.Pro1203Ser)

Gene: KDM2B (lysine demethylase 2B; minus strand). Cytogenetic location: 12q24.31.
Variant type: single nucleotide variant.
Coding change: c.3607C>T on transcript NM_032590.5 (MANE Select); coding-DNA position 3607, C replaced by T.
Protein change: p.Pro1203Ser; replaces proline 1203 with serine.
Molecular consequence: missense variant.
Genome position (GRCh38, 1-based): chr12:121,440,819, G>A on the plus strand (C>T on the coding strand, the complement: KDM2B is on the minus strand). VCF-style: chr12-121440819-G-A. GRCh37 (hg19) VCF-style: chr12-121878622-G-A.
Other names: c.3400C>T, p.Pro1134Ser (NM_001005366.2); short protein forms P1134S, P1203S.
Identifiers: ClinVar variation 3361435 (VCV003361435.2).

ClinVar aggregate classification (germline): Uncertain significance (1 of 4 stars; one submission).

Submission:

GeneDx
Classification: Uncertain significance. Last evaluated: 2026-06-01. Review status: criteria provided, single submitter. Criteria: GeneDx Variant Classification Process June 2021. Collection method: clinical testing. Allele origin: germline.
Comment: Not observed at significant frequency in large population cohorts (gnomAD); In silico analysis supports a deleterious effect on splicing; In silico analysis supports that this missense variant has a deleterious effect on protein structure/function; Has not been previously published as pathogenic or benign to our knowledge